The following is an entry in ClinVar:

NM_004667.6(HERC2):c.6722A>G (p.Lys2241Arg)

Gene: HERC2 (HECT and RLD domain containing E3 ubiquitin protein ligase 2; minus strand). Cytogenetic location: 15q13.1.
Variant type: single nucleotide variant.
Coding change: c.6722A>G on transcript NM_004667.6 (MANE Select); coding-DNA position 6722, A replaced by G.
Protein change: p.Lys2241Arg; replaces lysine 2241 with arginine.
Molecular consequence: missense variant.
Genome position (GRCh38, 1-based): chr15:28,213,806, T>C on the plus strand (A>G on the coding strand, the complement: HERC2 is on the minus strand). VCF-style: chr15-28213806-T-C. GRCh37 (hg19) VCF-style: chr15-28458952-T-C.
Other names: c.6722A>G (NM_004667.4); short protein forms K2241R.
Identifiers: ClinVar variation 1710658 (VCV001710658.8), dbSNP rs141969705, ClinGen allele CA7441957.

ClinVar aggregate classification (germline): Conflicting classifications of pathogenicity. Review status: criteria provided, conflicting classifications (1 of 4 stars). 3 submissions from 3 submitters: Uncertain significance (2); Likely benign (1). Last evaluated 2025-11-13.

Conditions:
Inborn genetic diseases. Identifiers: MedGen C0950123, MeSH D030342.

Allele frequency attached by ClinVar (database versions not stated): ExAC 0.00033; TOPMed 0.00112; gnomAD 0.00101; 1000 Genomes Project 0.00080; gnomAD exomes 0.00009; 1000 Genomes Project 30x 0.00062; ESP Exome Variant Server 0.00138.
gnomAD v4.1: 284 of 1,614,024 alleles (0.018%); highest among the groups gnomAD compares: African/African-American, 0.34%; 1 homozygote.

Submissions (3):

Ambry Genetics
Classification: Likely benign for Inborn genetic diseases. Last evaluated: 2025-11-13. Review status: criteria provided, single submitter. Criteria: Ambry Variant Classification Scheme 2023. Collection method: clinical testing. Allele origin: germline.

GeneDx
Classification: Uncertain significance. Last evaluated: 2025-07-01. Review status: criteria provided, single submitter. Criteria: GeneDx Variant Classification Process June 2021. Collection method: clinical testing. Allele origin: germline. Affected: yes.
Comment: In silico analysis suggests that this missense variant does not alter protein structure/function; Has not been previously published as pathogenic or benign to our knowledge

Greenwood Genetic Center Diagnostic Laboratories, Greenwood Genetic Center
Classification: Uncertain significance. Last evaluated: 2023-06-29. Review status: criteria provided, single submitter. Criteria: ACMG Guidelines, 2015. Collection method: clinical testing. Allele origin: germline. Affected: yes.
Comment: PP2